The following is an entry in ClinVar:

NM_001048166.1(STIL):c.1013A>C (p.His338Pro)

Gene: STIL (STIL centriolar assembly protein; minus strand). Cytogenetic location: 1p33.
Variant type: single nucleotide variant.
Coding change: c.1013A>C on transcript NM_001048166.1 (MANE Select); coding-DNA position 1013, A replaced by C.
Protein change: p.His338Pro; replaces histidine 338 with proline.
Molecular consequence: missense variant.
Genome position (GRCh38, 1-based): chr1:47,289,445, T>G on the plus strand (A>C on the coding strand, the complement: STIL is on the minus strand). VCF-style: chr1-47289445-T-G. GRCh37 (hg19) VCF-style: chr1-47755117-T-G.
Other names: c.1013A>C, p.His338Pro (NM_001282936.1, NM_001282937.1, NM_003035.2); c.872A>C, p.His291Pro (NM_001282938.1, NM_001282939.1, NM_001377417.1); short protein forms H291P, H338P.
Identifiers: ClinVar variation 2091029 (VCV002091029.4), dbSNP rs1645410491, ClinGen allele CA340250946.

ClinVar aggregate classification (germline): Uncertain significance (1 of 4 stars; one submission).

Allele frequency attached by ClinVar (database versions not stated): gnomAD exomes below 0.00001; TOPMed below 0.00001.
gnomAD v4.1: 2 of 1,613,902 alleles (0.00012%); highest among the groups gnomAD compares: Non-Finnish European, 0.00017%; no homozygotes.

Submission:

Labcorp Genetics (formerly Invitae), Labcorp
Classification: Uncertain significance. Last evaluated: 2022-08-22. Review status: criteria provided, single submitter. Criteria: Invitae Variant Classification Sherloc (09022015). Collection method: clinical testing. Allele origin: germline.
Comment: This sequence change replaces histidine, which is basic and polar, with proline, which is neutral and non-polar, at codon 338 of the STIL protein (p.His338Pro). This variant is not present in population databases (gnomAD no frequency). This variant has not been reported in the literature in individuals affected with STIL-related conditions. Algorithms developed to predict the effect of missense changes on protein structure and function are either unavailable or do not agree on the potential impact of this missense change (SIFT: "Tolerated"; PolyPhen-2: "Probably Damaging"; Align-GVGD: "Class C0"). In summary, the available evidence is currently insufficient to determine the role of this variant in disease. Therefore, it has been classified as a Variant of Uncertain Significance.